The following is an entry in ClinVar:

ClinVar aggregate classification (germline): Uncertain significance. Review status: criteria provided, multiple submitters, no conflicts (2 of 4 stars). 2 submissions from 2 submitters: Uncertain significance (2). Last evaluated 2024-11-06.

Conditions:
Shprintzen-Goldberg syndrome (SGS). Also called: Marfanoid disorder with craniosynostosis type 1; Marfanoid craniosynostosis syndrome; Shprintzen-Goldberg marfanoid syndrome; SHPRINTZEN-GOLDBERG CRANIOSYNOSTOSIS SYNDROME; CRANIOSYNOSTOSIS WITH ARACHNODACTYLY AND ABDOMINAL HERNIAS. Identifiers: Orphanet 2462, MedGen C1321551, MONDO:0008426, OMIM 182212.
Familial thoracic aortic aneurysm and aortic dissection (TAAD). Also called: Thoracic aortic aneurysms and dissections. Identifiers: Orphanet 91387, MedGen C4707243, MONDO:0019625.

Allele frequency attached by ClinVar (database versions not stated): gnomAD exomes 0.00001 and below 0.00001; ExAC 0.00001.
gnomAD v4.1: 6 of 1,613,532 alleles (0.00037%); highest among the groups gnomAD compares: South Asian, 0.0011%; no homozygotes.

Submissions (2):

Ambry Genetics
Classification: Uncertain significance for Familial thoracic aortic aneurysm and aortic dissection. Last evaluated: 2024-11-06. Review status: criteria provided, single submitter. Criteria: Ambry Variant Classification Scheme 2023. Collection method: clinical testing. Allele origin: germline.
Comment: The p.S325F variant (also known as c.974C>T), located in coding exon 2 of the SKI gene, results from a C to T substitution at nucleotide position 974. The serine at codon 325 is replaced by phenylalanine, an amino acid with highly dissimilar properties. This amino acid position is conserved. In addition, this alteration is predicted to be tolerated by in silico analysis. Based on the available evidence, the clinical significance of this variant remains unclear.

Labcorp Genetics (formerly Invitae), Labcorp
Classification: Uncertain significance for Shprintzen-Goldberg syndrome. Last evaluated: 2021-01-15. Review status: criteria provided, single submitter. Criteria: Invitae Variant Classification Sherloc (09022015). Collection method: clinical testing. Allele origin: germline.
Comment: This sequence change replaces serine with phenylalanine at codon 325 of the SKI protein (p.Ser325Phe). The serine residue is weakly conserved and there is a large physicochemical difference between serine and phenylalanine. This variant is present in population databases (rs779414606, ExAC 0.002%). This variant has not been reported in the literature in individuals with SKI-related conditions. Advanced modeling of protein sequence and biophysical properties (such as structural, functional, and spatial information, amino acid conservation, physicochemical variation, residue mobility, and thermodynamic stability) performed at Invitae indicates that this missense variant is not expected to disrupt SKI protein function. In summary, the available evidence is currently insufficient to determine the role of this variant in disease. Therefore, it has been classified as a Variant of Uncertain Significance.

NM_003036.4(SKI):c.974C>T (p.Ser325Phe)

Gene: SKI (SKI proto-oncogene; plus strand). Cytogenetic location: 1p36.32.
Variant type: single nucleotide variant.
Coding change: c.974C>T on transcript NM_003036.4 (MANE Select); coding-DNA position 974, C replaced by T.
Protein change: p.Ser325Phe; replaces serine 325 with phenylalanine.
Molecular consequence: missense variant.
Genome position (GRCh38, 1-based): chr1:2,302,982, C>T. VCF-style: chr1-2302982-C-T. GRCh37 (hg19) VCF-style: chr1-2234421-C-T.
Other names: c.974C>T (NM_003036.3); short protein forms S325F.
Identifiers: ClinVar variation 1047735 (VCV001047735.9), dbSNP rs779414606, ClinGen allele CA536517.